The following is an entry in ClinVar:

NC_000012.11:g.(?_88465051)_(88496808_?)del

Gene: CEP290 (centrosomal protein 290; minus strand). Cytogenetic location: 12q21.32.
Variant type: Deletion.
Identifiers: ClinVar variation 3244270 (VCV003244270.1).

ClinVar aggregate classification (germline): Pathogenic (1 of 4 stars; one submission).

Conditions:
Joubert syndrome. Also called: CEREBELLOPARENCHYMAL DISORDER IV; JOUBERT-BOLTSHAUSER SYNDROME; Familial aplasia of the vermis. Identifiers: Orphanet 475, MedGen C5979921, MONDO:0018772.
Nephronophthisis. Also called: Juvenile Nephronophthisis. Identifiers: Orphanet 655, MedGen C0687120, MONDO:0019005, HP:0000090.
Meckel-Gruber syndrome. Also called: DYSENCEPHALIA SPLANCHNOCYSTICA; GRUBER SYNDROME; Dysencephalia splachnocystica. Identifiers: Orphanet 564, MedGen C0265215, MONDO:0018921.

Submission:

Labcorp Genetics (formerly Invitae), Labcorp
Classification: Pathogenic for Joubert syndrome; Meckel-Gruber syndrome; Nephronophthisis. Last evaluated: 2023-03-28. Review status: criteria provided, single submitter. Criteria: Invitae Variant Classification Sherloc (09022015). Collection method: clinical testing. Allele origin: unknown.
Comment: For these reasons, this variant has been classified as Pathogenic. This variant has not been reported in the literature in individuals affected with CEP290-related conditions. This variant is a gross deletion of the genomic region encompassing exon(s) 26-43 of the CEP290 gene. This deletion is out-of-frame, and is expected to create a premature termination codon and result in an absent or disrupted protein product. Loss-of-function variants in CEP290 are known to be pathogenic (PMID: 16909394, 17345604, 20690115).

Literature cited by the submitters: PubMed 16909394; PubMed 17345604; PubMed 20690115.